The following is an entry in ClinVar:

ClinVar aggregate classification (germline): Uncertain significance. Review status: criteria provided, multiple submitters, no conflicts (2 of 4 stars). 3 submissions from 3 submitters: Uncertain significance (3). Last evaluated 2025-03-23.

Conditions:
Cardiovascular phenotype. Identifiers: MedGen CN230736.
Dilated cardiomyopathy 1W (CMD1W). Identifiers: Orphanet 154, MedGen C1969639, MONDO:0012667, OMIM 611407.

Allele frequency attached by ClinVar (database versions not stated): ExAC 0.00001; ESP Exome Variant Server 0.00008.
gnomAD v4.1: 5 of 1,613,876 alleles (0.00031%); highest among the groups gnomAD compares: African/African-American, 0.0067%; no homozygotes.

Submissions (3):

Ambry Genetics
Classification: Uncertain significance for Cardiovascular phenotype. Last evaluated: 2025-03-23. Review status: criteria provided, single submitter. Criteria: Ambry Variant Classification Scheme 2023. Collection method: clinical testing. Allele origin: germline.
Comment: The p.R910G variant (also known as c.2728C>G), located in coding exon 18 of the VCL gene, results from a C to G substitution at nucleotide position 2728. The arginine at codon 910 is replaced by glycine, an amino acid with dissimilar properties. This amino acid position is conserved. In addition, this alteration is predicted to be deleterious by in silico analysis. Based on the available evidence, the clinical significance of this variant remains unclear.

GeneDx
Classification: Uncertain significance. Last evaluated: 2022-08-01. Review status: criteria provided, single submitter. Criteria: GeneDx Variant Classification Process June 2021. Collection method: clinical testing. Allele origin: germline. Affected: yes.
Comment: Not observed at significant frequency in large population cohorts (gnomAD); In silico analysis supports that this missense variant has a deleterious effect on protein structure/function; Has not been previously published as pathogenic or benign to our knowledge

Labcorp Genetics (formerly Invitae), Labcorp
Classification: Uncertain significance for Dilated cardiomyopathy 1W. Last evaluated: 2022-04-20. Review status: criteria provided, single submitter. Criteria: Invitae Variant Classification Sherloc (09022015). Collection method: clinical testing. Allele origin: germline.
Comment: This sequence change replaces arginine, which is basic and polar, with glycine, which is neutral and non-polar, at codon 910 of the VCL protein (p.Arg910Gly). In summary, the available evidence is currently insufficient to determine the role of this variant in disease. Therefore, it has been classified as a Variant of Uncertain Significance. Algorithms developed to predict the effect of missense changes on protein structure and function are either unavailable or do not agree on the potential impact of this missense change (SIFT: "Not Available"; PolyPhen-2: "Probably Damaging"; Align-GVGD: "Not Available"). This variant has not been reported in the literature in individuals affected with VCL-related conditions. This variant is present in population databases (rs375595550, gnomAD 0.01%).

NM_014000.3(VCL):c.2728C>G (p.Arg910Gly)

Gene: VCL (vinculin; plus strand). Cytogenetic location: 10q22.2.
Variant type: single nucleotide variant.
Coding change: c.2728C>G on transcript NM_014000.3 (MANE Select); coding-DNA position 2728, C replaced by G.
Protein change: p.Arg910Gly; replaces arginine 910 with glycine.
Molecular consequence: missense variant.
Genome position (GRCh38, 1-based): chr10:74,109,139, C>G. VCF-style: chr10-74109139-C-G. GRCh37 (hg19) VCF-style: chr10-75868897-C-G.
Other names: c.2728C>G, p.Arg910Gly (NM_003373.4); short protein forms R910G.
Identifiers: ClinVar variation 1924149 (VCV001924149.7), dbSNP rs375595550, ClinGen allele CA5563279.